The following is an entry in ClinVar:

ClinVar aggregate classification (germline): Uncertain significance (1 of 4 stars; one submission).

Conditions:
Congenital muscular hypertrophy-cerebral syndrome (CDLS2). Also called: Cornelia de Lange syndrome 2; SMC1A-Related Cornelia de Lange Syndrome. Identifiers: Orphanet 199, MedGen C1802395, MONDO:0010370, OMIM 300590.

Submission:

Labcorp Genetics (formerly Invitae), Labcorp
Classification: Uncertain significance for Congenital muscular hypertrophy-cerebral syndrome. Last evaluated: 2024-11-21. Review status: criteria provided, single submitter. Criteria: Invitae Variant Classification Sherloc (09022015). Collection method: clinical testing. Allele origin: germline.
Comment: This sequence change replaces glutamine, which is neutral and polar, with glutamic acid, which is acidic and polar, at codon 1177 of the SMC1A protein (p.Gln1177Glu). This variant is not present in population databases (gnomAD no frequency). This variant has not been reported in the literature in individuals affected with SMC1A-related conditions. Invitae Evidence Modeling of protein sequence and biophysical properties (such as structural, functional, and spatial information, amino acid conservation, physicochemical variation, residue mobility, and thermodynamic stability) indicates that this missense variant is not expected to disrupt SMC1A protein function with a negative predictive value of 80%. In summary, the available evidence is currently insufficient to determine the role of this variant in disease. Therefore, it has been classified as a Variant of Uncertain Significance.

NM_006306.4(SMC1A):c.3529C>G (p.Gln1177Glu)

Gene: SMC1A (structural maintenance of chromosomes 1A; minus strand). Cytogenetic location: Xp11.22.
Variant type: single nucleotide variant.
Coding change: c.3529C>G on transcript NM_006306.4 (MANE Select); coding-DNA position 3529, C replaced by G.
Protein change: p.Gln1177Glu; replaces glutamine 1177 with glutamic acid.
Molecular consequence: missense variant.
Genome position (GRCh38, 1-based): chrX:53,380,709, G>C on the plus strand (C>G on the coding strand, the complement: SMC1A is on the minus strand). VCF-style: chrX-53380709-G-C. GRCh37 (hg19) VCF-style: chrX-53407630-G-C.
Other names: c.3463C>G, p.Gln1155Glu (NM_001281463.1); short protein forms Q1177E, Q1155E.
Identifiers: ClinVar variation 3703507 (VCV003703507.2).